The following is an entry in ClinVar:

ClinVar aggregate classification (germline): Likely pathogenic. Review status: criteria provided, multiple submitters, no conflicts (2 of 4 stars). 2 submissions from 2 submitters: Likely pathogenic (2). Last evaluated 2024-05-08.

Conditions:
Trimethylaminuria (TMAU). Also called: Fish malodor syndrome; Stale fish syndrome; TMAuria; FISH-ODOR SYNDROME; Primary Trimethylaminuria. Identifiers: MedGen C0342739, MONDO:0011182, OMIM 602079, HP:0003614. Disease mechanism: loss of function.

Submissions (2):

Fulgent Genetics
Classification: Likely pathogenic for Trimethylaminuria. Last evaluated: 2024-05-08. Review status: criteria provided, single submitter. Criteria: ACMG Guidelines, 2015. Collection method: clinical testing. Allele origin: germline.

Juno Genomics, Hangzhou Juno Genomics, Inc
Classification: Likely pathogenic for Trimethylaminuria. Review status: criteria provided, single submitter. Criteria: ACMG Guidelines, 2015. Collection method: clinical testing. Allele origin: germline.
Comment: Null variant in a gene where loss of function (LOF) is a known mechanism of disease.;Absent from controls (or at extremely low frequency if recessive) in Genome Aggregation Database.

NM_001002294.3(FMO3):c.262C>T (p.Gln88Ter)

Gene: FMO3 (flavin containing dimethylaniline monoxygenase 3; plus strand). Cytogenetic location: 1q24.3.
Variant type: single nucleotide variant.
Coding change: c.262C>T on transcript NM_001002294.3 (MANE Select); coding-DNA position 262, C replaced by T.
Protein change: p.Gln88Ter; replaces glutamine 88 with a stop codon.
Molecular consequence: nonsense. On other transcripts: intron variant (1).
Genome position (GRCh38, 1-based): chr1:171,103,914, C>T. VCF-style: chr1-171103914-C-T. GRCh37 (hg19) VCF-style: chr1-171073055-C-T.
Other names: c.202C>T, p.Gln68Ter (NM_001319173.2); c.262C>T, p.Gln88Ter (NM_006894.6); c.133-3761C>T (NM_001319174.2); short protein forms Q68*, Q88*.
Identifiers: ClinVar variation 3573948 (VCV003573948.3).
Genomic context (GRCh38, chr1:171,103,914, plus strand): 5'-TGTTTCCCAGACTTCCCATTTCCCGATGACTTCCCCAACTTTATGCACAACAGCAAGATC[C>T]AGGAATATATCATTGCATTTGCCAAAGAAAAGAACCTCCTGAAGTACATACAATTTAAGG-3'